The following is an entry in ClinVar:

NM_020232.5(PSMG2):c.712C>T (p.Pro238Ser)

Gene: PSMG2 (proteasome assembly chaperone 2; plus strand). Cytogenetic location: 18p11.21.
Variant type: single nucleotide variant.
Coding change: c.712C>T on transcript NM_020232.5 (MANE Select); coding-DNA position 712, C replaced by T.
Protein change: p.Pro238Ser; replaces proline 238 with serine.
Molecular consequence: missense variant.
Genome position (GRCh38, 1-based): chr18:12,725,448, C>T. VCF-style: chr18-12725448-C-T. GRCh37 (hg19) VCF-style: chr18-12725447-C-T.
Other names: c.619C>T, p.Pro207Ser (NM_147163.2); short protein forms P238S, P207S.
Identifiers: ClinVar variation 4719974 (VCV004719974.1).

ClinVar aggregate classification (germline): Uncertain significance (1 of 4 stars; one submission).

gnomAD v4.1: 1 of 1,590,390 alleles (0.000063%); highest among the groups gnomAD compares: Non-Finnish European, 0.000086%; no homozygotes.

Submission:

Labcorp Genetics (formerly Invitae), Labcorp
Classification: Uncertain significance. Last evaluated: 2025-05-21. Review status: criteria provided, single submitter. Criteria: Invitae Variant Classification Sherloc (09022015). Collection method: clinical testing. Allele origin: germline.
Comment: This sequence change replaces proline, which is neutral and non-polar, with serine, which is neutral and polar, at codon 238 of the PSMG2 protein (p.Pro238Ser). This variant is present in population databases (no rsID available, gnomAD 0.0009%). This variant has not been reported in the literature in individuals affected with PSMG2-related conditions. An algorithm developed to predict the effect of missense changes on protein structure and function outputs the following: PolyPhen-2: "Benign". The serine amino acid residue is found in multiple mammalian species, which suggests that this missense change does not adversely affect protein function. In summary, the available evidence is currently insufficient to determine the role of this variant in disease. Therefore, it has been classified as a Variant of Uncertain Significance.